The following is an entry in ClinVar:

ClinVar aggregate classification (germline): Uncertain significance. Review status: criteria provided, single submitter (1 of 4 stars). 2 submissions from 2 submitters: Uncertain significance (1). 1 of the submissions does not count toward it.

Conditions:
Duane retraction syndrome 2. Identifiers: Orphanet 233, MedGen C0751083, MONDO:0011444, OMIM 604356.

Submissions (2):

Juno Genomics, Hangzhou Juno Genomics, Inc
Classification: Uncertain significance for Duane retraction syndrome 2. Review status: criteria provided, single submitter. Criteria: ACMG Guidelines, 2015. Collection method: clinical testing. Allele origin: germline. Affected: yes.
Comment: Absent from controls (or at extremely low frequency if recessive) in Genome Aggregation Database, Exome Sequencing Project, 1000 Genomes Project, or Exome Aggregation Consortium.;The prevalence of the variant in affected individuals is significantly increased compared to the prevalence in controls.;Co-segregation with disease in multiple affected family members in a gene definitively known to cause the disease.;Patient's phenotype or family history is highly specific for a disease with a single genetic etiology.

OMIM
Classification: Pathogenic for DUANE RETRACTION SYNDROME 2. Last evaluated: 2011-05-01. Review status: no assertion criteria provided. Collection method: literature only. Allele origin: germline. Not counted in ClinVar's aggregate classification.

Literature cited by the submitters: PubMed 21555619 (cited by OMIM).

NM_001822.7(CHN1):c.754C>T (p.Pro252Ser)

Gene: CHN1 (chimerin 1; minus strand). Cytogenetic location: 2q31.1.
Variant type: single nucleotide variant.
Coding change: c.754C>T on transcript NM_001822.7 (MANE Select); coding-DNA position 754, C replaced by T.
Protein change: p.Pro252Ser; replaces proline 252 with serine.
Molecular consequence: missense variant. On other transcripts: non-coding transcript variant (1).
Genome position (GRCh38, 1-based): chr2:174,812,441, G>A on the plus strand (C>T on the coding strand, the complement: CHN1 is on the minus strand). VCF-style: chr2-174812441-G-A. GRCh37 (hg19) VCF-style: chr2-175677169-G-A.
Other names: c.676C>T, p.Pro226Ser (NM_001025201.4); c.379C>T, p.Pro127Ser (NM_001206602.2); c.754C>T, p.Pro252Ser (NM_001371513.1); c.805C>T, p.Pro269Ser (NM_001371514.1); short protein forms P252S, P226S, P127S, P269S.
Identifiers: ClinVar variation 29624 (VCV000029624.4), dbSNP rs387906600, ClinGen allele CA259608.